The following is an entry in ClinVar:

ClinVar aggregate classification (germline): Uncertain significance (1 of 4 stars; one submission).

Conditions:
Hereditary cancer-predisposing syndrome. Also called: Tumor predisposition; Neoplastic Syndromes, Hereditary; Hereditary Cancer Syndrome; Hereditary neoplastic syndrome. Identifiers: Orphanet 140162, MedGen C0027672, MeSH D009386, MONDO:0015356.

Submission:

Ambry Genetics
Classification: Uncertain significance for Hereditary cancer-predisposing syndrome. Last evaluated: 2024-07-11. Review status: criteria provided, single submitter. Criteria: Ambry Variant Classification Scheme 2023. Collection method: clinical testing. Allele origin: germline.
Comment: The c.521_523delCCA variant (also known as p.T174del) is located in coding exon 3 of the FLCN gene. This variant results from an in-frame CCA deletion at nucleotide positions 521 to 523. This results in the in-frame deletion of a threonine at codon 174. This amino acid position is poorly conserved in available vertebrate species. In addition, this alteration is predicted to be deleterious by in silico analysis (Choi Y et al. PLoS ONE. 2012; 7(10):e46688). Based on the available evidence, the clinical significance of this variant remains unclear.

NM_144997.7(FLCN):c.521_523del (p.Thr174del)

Gene: FLCN (folliculin; minus strand). Cytogenetic location: 17p11.2.
Variant type: Deletion.
Coding change: c.521_523del on transcript NM_144997.7 (MANE Select); coding-DNA positions 521 to 523, 3 bases deleted (CCA; older notation c.521_523delCCA).
Protein change: p.Thr174del; deletes threonine 174.
Molecular consequence: inframe indel (on NM_144997.5).
Genome position (GRCh38, 1-based): chr17:17,224,017-17,224,019, TGG deleted on the plus strand (CCA on the coding strand, the reverse complement: FLCN is on the minus strand); deleting any 3 consecutive bases within chr17:17,224,017-17,224,021 gives the same sequence; the c. name uses the placement nearest the transcript's 3' end. VCF-style (leftmost placement, unchanged base first): chr17-17224016-ATGG-A. GRCh37 (hg19) VCF-style: chr17-17127330-ATGG-A.
Other names: c.575_577del, p.Thr192del (NM_001353229.2); c.521_523del, p.Thr174del (NM_001353230.2, NM_001353231.2, NM_144606.7); c.521_523delCCA (NM_144997.5); short protein forms T174del, T192del.
Identifiers: ClinVar variation 3515621 (VCV003515621.1).
Genomic context (GRCh38, chr17:17,224,016, plus strand): 5'-CCCCGGACCTTCCCCAGCAGGAAGGGCCAGGAGTTGATGAGGTAGATCCGGTCCATCATG[ATGG>A]TGATGATGCTGTACCAGCGCTGGAAGCCCCTGGCCAGGCTGTCCTTGATGAAGAAGGTGT-3'